The following is an entry in ClinVar:

NM_000458.4(HNF1B):c.462del (p.Asn155fs)

Gene: HNF1B (HNF1 homeobox B; minus strand). Cytogenetic location: 17q12.
Variant type: Deletion.
Coding change: c.462del on transcript NM_000458.4 (MANE Select); coding-DNA position 462, one base deleted (C; older notation c.462delC).
Protein change: p.Asn155fs; shifts the reading frame from asparagine 155.
Molecular consequence: frameshift variant.
Genome position (GRCh38, 1-based): chr17:37,739,522, G deleted on the plus strand (C on the coding strand, the reverse complement: HNF1B is on the minus strand). VCF-style (leftmost placement, unchanged base first): chr17-37739521-TG-T. GRCh37 (hg19) VCF-style: chr17-36099512-TG-T.
Other names: c.462del, p.Asn155fs (NM_001165923.4, NM_001304286.2, NM_001411100.1); short protein forms N155fs.
Identifiers: ClinVar variation 4532225 (VCV004532225.1).

ClinVar aggregate classification (germline): Pathogenic (1 of 4 stars; one submission).

Conditions:
Renal cysts and diabetes syndrome (RCAD). Also called: MATURITY-ONSET DIABETES OF THE YOUNG, TYPE 5; Familial hypoplastic, glomerulocystic kidney. Identifiers: Orphanet 93111, MedGen C0431693, MONDO:0007669, OMIM 137920.

Submission:

MVZ Medizinische Genetik Mainz
Classification: Pathogenic for Renal cysts and diabetes syndrome. Last evaluated: 2025-10-24. Review status: criteria provided, single submitter. Criteria: UK Practice Guidelines For Variant Classification V4 01 2020. Collection method: clinical testing. Allele origin: germline. Inheritance: Autosomal dominant inheritance. Affected: yes. Observed: 1 variant allele.
Comment: ACMG Criteria: PVS1,PM2_SUP,PP4